The following is an entry in ClinVar:

ClinVar aggregate classification (germline): Uncertain significance (1 of 4 stars; one submission).

Conditions:
Epidermolysis bullosa simplex 3, localized or generalized intermediate, with BP230 deficiency (EBS3). Also called: Epidermolysis bullosa simplex due to BP230 deficiency; Epidermolysis bullosa simplex, autosomal recessive 2. Identifiers: Orphanet 412181, MedGen C3809470, MONDO:0014180, OMIM 615425.
Hereditary sensory and autonomic neuropathy type 6. Also called: Neuropathy, hereditary sensory and autonomic, type VI; HSAN VI. Identifiers: Orphanet 314381, MedGen C3539003, MONDO:0013839, OMIM 614653.

Submission:

Labcorp Genetics (formerly Invitae), Labcorp
Classification: Uncertain significance for Epidermolysis bullosa simplex 3, localized or generalized intermediate, with BP230 deficiency; Hereditary sensory and autonomic neuropathy type 6. Last evaluated: 2023-08-30. Review status: criteria provided, single submitter. Criteria: Invitae Variant Classification Sherloc (09022015). Collection method: clinical testing. Allele origin: germline.
Comment: This sequence change affects codon 3841 of the DST mRNA. It is a 'silent' change, meaning that it does not change the encoded amino acid sequence of the DST protein. In summary, the available evidence is currently insufficient to determine the role of this variant in disease. Therefore, it has been classified as a Variant of Uncertain Significance. This variant has not been reported in the literature in individuals affected with DST-related conditions. This variant is not present in population databases (gnomAD no frequency). The DST gene has multiple clinically relevant transcripts. This variant occurs in alternate transcript NM_015548.4, and corresponds to NM_001723.5:c.*109002A>G in the primary transcript.

NM_001374736.1(DST):c.19392A>G (p.Lys6464=)

Gene: DST (dystonin; minus strand). Cytogenetic location: 6p12.1.
Variant type: single nucleotide variant.
Coding change: c.19392A>G on transcript NM_001374736.1 (MANE Select); coding-DNA position 19392, A replaced by G.
Protein change: p.Lys6464=; no amino-acid change (lysine 6464 retained).
Molecular consequence: synonymous variant.
Genome position (GRCh38, 1-based): chr6:56,506,515, T>C on the plus strand (A>G on the coding strand, the complement: DST is on the minus strand). VCF-style: chr6-56506515-T-C. GRCh37 (hg19) VCF-style: chr6-56371313-T-C.
Other names: c.13035A>G, p.Lys4345= (NM_001144769.5); c.12621A>G, p.Lys4207= (NM_001144770.2); c.19392A>G, p.Lys6464= (NM_001374722.1); c.18432A>G, p.Lys6144= (NM_001374729.1); c.12174A>G, p.Lys4058= (NM_001374730.1); c.19419A>G, p.Lys6473= (NM_001374734.1); c.11523A>G, p.Lys3841= (NM_015548.5); c.12501A>G, p.Lys4167= (NM_183380.4).
Identifiers: ClinVar variation 972436 (VCV000972436.8), dbSNP rs2096318328, ClinGen allele CA450618724.